The following is an entry in ClinVar:

NM_000051.4(ATM):c.901G>C (p.Gly301Arg)

Gene: ATM (ATM serine/threonine kinase; plus strand). Cytogenetic location: 11q22.3.
Variant type: single nucleotide variant.
Coding change: c.901G>C on transcript NM_000051.4 (MANE Select); coding-DNA position 901, G replaced by C.
Protein change: p.Gly301Arg; replaces glycine 301 with arginine.
Molecular consequence: missense variant.
Genome position (GRCh38, 1-based): chr11:108,245,026, G>C. VCF-style: chr11-108245026-G-C. GRCh37 (hg19) VCF-style: chr11-108115753-G-C.
Other names: c.901G>C, p.Gly301Arg (NM_001351834.2); short protein forms G301R.
Identifiers: ClinVar variation 1005823 (VCV001005823.11), dbSNP rs1064797160, ClinGen allele CA382529658.
Genomic context (GRCh38, chr11:108,245,026, plus strand): 5'-GAATTATTTCAACTGCAAATTTATATCCATCATCCGAAAGGAGCCAAAACCCAAGAAAAA[G>C]GTATAAAGGAAATGTTTACTGTTTTGAATTTGCTTCTTCATTCAAACATAGAAGTCTAAG-3'
Protein context (NP_000042.3, residues 291-311): HPKGAKTQEK[Gly301Arg]AYESTKWRSI

ClinVar aggregate classification (germline): Conflicting classifications of pathogenicity. Review status: criteria provided, conflicting classifications (1 of 4 stars). 2 submissions from 2 submitters: Pathogenic (1); Uncertain significance (1). Last evaluated 2024-05-21.

Conditions:
Hereditary cancer-predisposing syndrome. Also called: Hereditary neoplastic syndrome; Neoplastic Syndromes, Hereditary; Tumor predisposition; Hereditary Cancer Syndrome. Identifiers: Orphanet 140162, MedGen C0027672, MeSH D009386, MONDO:0015356.
Ataxia-telangiectasia syndrome (AT). Also called: Ataxia-telangiectasia, complementation group D; AT, COMPLEMENTATION GROUP C; ATAXIA-TELANGIECTASIA, COMPLEMENTATION GROUP A; ATAXIA-TELANGIECTASIA, FRESNO VARIANT; Ataxia-telangiectasia; Cerebello-oculocutaneous telangiectasia. Identifiers: Orphanet 100, MedGen C0004135, MONDO:0008840, OMIM 208900.

Submissions (2):

Labcorp Genetics (formerly Invitae), Labcorp
Classification: Uncertain significance for Ataxia-telangiectasia syndrome. Last evaluated: 2024-05-21. Review status: criteria provided, single submitter. Criteria: Invitae Variant Classification Sherloc (09022015). Collection method: clinical testing. Allele origin: germline.
Comment: This sequence change replaces glycine, which is neutral and non-polar, with arginine, which is basic and polar, at codon 301 of the ATM protein (p.Gly301Arg). This variant also falls at the last nucleotide of exon 7, which is part of the consensus splice site for this exon. This variant is not present in population databases (gnomAD no frequency). This variant has not been reported in the literature in individuals affected with ATM-related conditions. ClinVar contains an entry for this variant (Variation ID: 1005823). An algorithm developed to predict the effect of missense changes on protein structure and function (PolyPhen-2) suggests that this variant is likely to be tolerated. Variants that disrupt the consensus splice site are a relatively common cause of aberrant splicing (PMID: 17576681, 9536098). Algorithms developed to predict the effect of sequence changes on RNA splicing suggest that this variant may disrupt the consensus splice site. This variant disrupts the c.901G nucleotide in the ATM gene. Other variant(s) that disrupt this nucleotide have been determined to be pathogenic (PMID: 15643608, 31843900). This suggests that this nucleotide is clinically significant, and that variants that disrupt this position are likely to be disease-causing. In summary, the available evidence is currently insufficient to determine the role of this variant in disease. Therefore, it has been classified as a Variant of Uncertain Significance.

Ambry Genetics
Classification: Pathogenic for Hereditary cancer-predisposing syndrome. Last evaluated: 2022-06-06. Review status: criteria provided, single submitter. Criteria: Ambry Variant Classification Scheme 2023. Collection method: clinical testing. Allele origin: germline.
Comment: The c.901G>C pathogenic mutation (also known as p.G301R), located in coding exon 6 of the ATM gene, results from a G to C substitution at nucleotide position 901. The amino acid change results in glycine to arginine at codon 301, an amino acid with dissimilar properties. However, this change occurs in the last base pair of coding exon 6, which makes it likely to have some effect on normal mRNA splicing. Another alteration impacting the same nucleotide position (c.901G>A) has been shown to have a similar impact on splicing (Casadei S et al. Proc Natl Acad Sci U S A, 2019 Dec; Ambry internal data). This nucleotide position is highly conserved in available vertebrate species. In silico splice site analysis predicts that this alteration will weaken the native splice donor site. RNA studies have demonstrated that this alteration results in abnormal splicing in the set of samples tested (Ambry internal data). Based on the supporting evidence, this alteration is interpreted as a disease-causing mutation.

Literature cited by the submitters: PubMed 17576681 (cited by Labcorp Genetics (formerly Invitae), Labcorp); PubMed 9536098 (cited by Labcorp Genetics (formerly Invitae), Labcorp); PubMed 15643608 (cited by Labcorp Genetics (formerly Invitae), Labcorp); PubMed 31843900 (cited by Labcorp Genetics (formerly Invitae), Labcorp).